The following is an entry in ClinVar:

ClinVar aggregate classification (germline): Uncertain significance (1 of 4 stars; one submission).

Submission:

GeneDx
Classification: Uncertain significance. Last evaluated: 2019-05-09. Review status: criteria provided, single submitter. Criteria: GeneDx Variant Classification Process June 2021. Collection method: clinical testing. Allele origin: germline. Affected: yes.
Comment: Not observed in large population cohorts (Lek et al., 2016); In silico analysis, which includes protein predictors and evolutionary conservation, supports that this variant does not alter protein structure/function; Has not been previously published as pathogenic or benign to our knowledge

NM_001242896.3(DEPDC5):c.808C>T (p.Leu270Phe)

Gene: DEPDC5 (DEP domain containing 5, GATOR1 subcomplex subunit; plus strand). Cytogenetic location: 22q12.2.
Variant type: single nucleotide variant.
Coding change: c.808C>T on transcript NM_001242896.3 (MANE Select); coding-DNA position 808, C replaced by T.
Protein change: p.Leu270Phe; replaces leucine 270 with phenylalanine.
Molecular consequence: missense variant. On other transcripts: non-coding transcript variant (5).
Genome position (GRCh38, 1-based): chr22:31,797,640, C>T. VCF-style: chr22-31797640-C-T. GRCh37 (hg19) VCF-style: chr22-32193626-C-T.
Other names: c.808C>T, p.Leu270Phe (NM_001007188.4, NM_001136029.4, NM_001242897.2 and 7 more transcripts); c.724C>T, p.Leu242Phe (NM_001369901.1, NM_001369902.1); short protein forms L242F, L270F.
Identifiers: ClinVar variation 1302558 (VCV001302558.2), dbSNP rs2148574664, ClinGen allele CA411290592.
Genomic context (GRCh38, chr22:31,797,640, plus strand): 5'-TATGATAATACTCTTTTCAGAGTGGTGGTGCAGAATGAGAGAAGAGAAGAATGGACTTCA[C>T]TTCTCGTAACCATTAAAAAACTCTTCATCCAGTATCCAGTGTTGGTGCGACTGGAACAGG-3'
Protein context (NP_001229825.1, residues 260-280): QNERREEWTS[Leu270Phe]LVTIKKLFIQ